The following is an entry in ClinVar:

ClinVar aggregate classification (germline): Uncertain significance (1 of 4 stars; one submission).

Conditions:
Epilepsy, progressive myoclonic, 1B. Also called: PME. Identifiers: Orphanet 308, MedGen C2676254, MONDO:0012904, OMIM 612437.

Allele frequency attached by ClinVar (database versions not stated): ExAC 0.00001; gnomAD exomes 0.00001.
gnomAD v4.1: 5 of 1,613,678 alleles (0.00031%); highest among the groups gnomAD compares: Non-Finnish European, 0.00042%; no homozygotes.

Submission:

Labcorp Genetics (formerly Invitae), Labcorp
Classification: Uncertain significance for Epilepsy, progressive myoclonic, 1B. Last evaluated: 2020-06-26. Review status: criteria provided, single submitter. Criteria: Invitae Variant Classification Sherloc (09022015). Collection method: clinical testing. Allele origin: germline.
Comment: In summary, the available evidence is currently insufficient to determine the role of this variant in disease. Therefore, it has been classified as a Variant of Uncertain Significance. Algorithms developed to predict the effect of missense changes on protein structure and function (SIFT, PolyPhen-2, Align-GVGD) all suggest that this variant is likely to be disruptive, but these predictions have not been confirmed by published functional studies and their clinical significance is uncertain. This variant has not been reported in the literature in individuals with PRICKLE1-related conditions. This variant is present in population databases (rs759969939, ExAC 0.001%). This sequence change replaces glutamic acid with lysine at codon 196 of the PRICKLE1 protein (p.Glu196Lys). The glutamic acid residue is highly conserved and there is a small physicochemical difference between glutamic acid and lysine.

NM_153026.3(PRICKLE1):c.586G>A (p.Glu196Lys)

Gene: PRICKLE1 (prickle planar cell polarity protein 1; minus strand). Cytogenetic location: 12q12.
Variant type: single nucleotide variant.
Coding change: c.586G>A on transcript NM_153026.3 (MANE Select); coding-DNA position 586, G replaced by A.
Protein change: p.Glu196Lys; replaces glutamic acid 196 with lysine.
Molecular consequence: missense variant.
Genome position (GRCh38, 1-based): chr12:42,468,628, C>T on the plus strand (G>A on the coding strand, the complement: PRICKLE1 is on the minus strand). VCF-style: chr12-42468628-C-T. GRCh37 (hg19) VCF-style: chr12-42862430-C-T.
Other names: c.586G>A, p.Glu196Lys (NM_001144881.2, NM_001144882.2, NM_001144883.2); short protein forms E196K.
Identifiers: ClinVar variation 1045594 (VCV001045594.6), dbSNP rs759969939, ClinGen allele CA6519887.
Genomic context (GRCh38, chr12:42,468,628, plus strand): 5'-AATATTGGCTTAATCTAAGCTTATTTTTCCCAGTGTGAAAGGATGAACTTTTTTTTACCT[C>T]GTCACATGCTGAGCACCGTGGTTTGAGCAGTTCTGCATGGTGCCTGCCACAGTGAATTTT-3'
Protein context (NP_694571.2, residues 186-206): LLKPRCSACD[Glu196Lys]IIFADECTEA